The following is an entry in ClinVar:

NM_001166114.2(PNPLA6):c.3984dup (p.Ser1329fs)

Gene: PNPLA6 (patatin like domain 6, lysophospholipase; plus strand). Cytogenetic location: 19p13.2.
Variant type: Duplication.
Coding change: c.3984dup on transcript NM_001166114.2 (MANE Select); coding-DNA position 3984, one base duplicated (G; older notation c.3984dupG).
Protein change: p.Ser1329fs; shifts the reading frame from serine 1329.
Molecular consequence: frameshift variant.
Genome position (GRCh38, 1-based): chr19:7,561,278, G duplicated; the last of 6 consecutive G bases (chr19:7,561,273-7,561,278); duplicating any one gives the same sequence. VCF-style (leftmost placement, unchanged base first): chr19-7561272-A-AG. GRCh37 (hg19) VCF-style: chr19-7626158-A-AG.
Other names: c.4014dup, p.Ser1339fs (NM_001166111.2); c.3789dup, p.Ser1264fs (NM_001166112.2); c.3870dup, p.Ser1291fs (NM_001166113.1, NM_006702.5); short protein forms S1291fs, S1264fs, S1329fs, S1339fs.
Identifiers: ClinVar variation 850172 (VCV000850172.5), dbSNP rs753221489, ClinGen allele CA9140656.

ClinVar aggregate classification (germline): Pathogenic (1 of 4 stars; one submission).

Conditions:
Hereditary spastic paraplegia 39 (SPG39). Also called: SPASTIC PARAPLEGIA 39, AUTOSOMAL RECESSIVE; Spastic Paraplegia Type 39 (SPG39). Identifiers: Orphanet 139480, MedGen C2677586, MONDO:0012787, OMIM 612020.

Submission:

Labcorp Genetics (formerly Invitae), Labcorp
Classification: Pathogenic for Hereditary spastic paraplegia 39. Last evaluated: 2022-08-16. Review status: criteria provided, single submitter. Criteria: Invitae Variant Classification Sherloc (09022015). Collection method: clinical testing. Allele origin: germline.
Comment: This sequence change results in a frameshift in the PNPLA6 gene (p.Ser1291Valfs*94). While this is not anticipated to result in nonsense mediated decay, it is expected to disrupt the last 37 amino acid(s) of the PNPLA6 protein and extend the protein by 56 additional amino acid residues. This variant is present in population databases (rs753221489, gnomAD 0.003%). This variant has not been reported in the literature in individuals affected with PNPLA6-related conditions. ClinVar contains an entry for this variant (Variation ID: 850172). This variant disrupts a region of the PNPLA6 protein in which other variant(s) (p.Arg1313*) have been determined to be pathogenic (PMID: 29248984, 30555943). This suggests that this is a clinically significant region of the protein, and that variants that disrupt it are likely to be disease-causing. For these reasons, this variant has been classified as Pathogenic.

Literature cited by the submitters: PubMed 29248984; PubMed 30555943.